The following is an entry in ClinVar:

ClinVar aggregate classification (germline): Benign; association. Review status: no assertion criteria provided (0 of 4 stars). 2 submissions from 2 submitters: Benign (1). Last evaluated 2020-02-01.

Conditions:
Rheumatoid arthritis (RA). Also called: RHEUMATOID ARTHRITIS, SUSCEPTIBILITY TO. Identifiers: MedGen C0003873, MONDO:0008383, OMIM 180300, HP:0001370.
Abnormal pulmonary interstitial morphology. Also called: Interstitial lung disease; Interstitial pulmonary abnormality. Identifiers: Orphanet 182095, MedGen C5441745, MeSH D017563, MONDO:0015925, HP:0006530.
PADI4-related disorder. Also called: PADI4-related condition.

Allele frequency attached by ClinVar (database versions not stated): 1000 Genomes Project 30x 0.52030; ESP Exome Variant Server 0.52906; 1000 Genomes Project 0.52196; TOPMed 0.53135.
gnomAD v4.1: 887,977 of 1,602,266 alleles (55%); highest among the groups gnomAD compares: East Asian, 59%; 247,750 homozygotes.

Submissions (2):

Pneumogenomics Laboratory, Instituto Nacional de Enfermedades Respiratorias Ismael Cosio Villegas
Classification: association for Interstitial Lung Disease; Rheumatoid Arthritis. Last evaluated: 2020-02-01. Review status: no assertion criteria provided. Collection method: case-control. Allele origin: germline. Affected: yes.

PreventionGenetics, part of Exact Sciences
Classification: Benign for PADI4-related condition. Last evaluated: 2019-10-17. Review status: no assertion criteria provided. Collection method: clinical testing. Allele origin: germline.
Comment: This variant is classified as benign based on ACMG/AMP sequence variant interpretation guidelines (Richards et al. 2015 PMID: 25741868, with internal and published modifications).

NM_012387.3(PADI4):c.335G>C (p.Gly112Ala)

Gene: PADI4 (peptidyl arginine deiminase 4; plus strand). Cytogenetic location: 1p36.13.
Variant type: single nucleotide variant.
Coding change: c.335G>C on transcript NM_012387.3 (MANE Select); coding-DNA position 335, G replaced by C.
Protein change: p.Gly112Ala; replaces glycine 112 with alanine.
Molecular consequence: missense variant.
Genome position (GRCh38, 1-based): chr1:17,334,004, G>C. VCF-style: chr1-17334004-G-C. GRCh37 (hg19) VCF-style: chr1-17660499-G-C.
Other names: c.335G>C (NM_012387.2); short protein forms G112A.
Identifiers: ClinVar variation 972895 (VCV000972895.3), dbSNP rs874881, ClinGen allele CA640416.
Genomic context (GRCh38, chr1:17,334,004, plus strand): 5'-TTCAGATTTCATACTACGGACCCAAGACTCCACCAGTCAAAGCTCTACTCTACCTCACCG[G>C]GGTGGGTAAGTGACAACCAGGATCCTAGAGTGCCGTCTCATCCCCTGCCCACCTCCTAAT-3'
Protein context (NP_036519.2, residues 102-122): PPVKALLYLT[Gly112Ala]VEISLCADIT